The following is an entry in ClinVar:

NM_000051.4(ATM):c.7395A>G (p.Lys2465=)

Genes: ATM (ATM serine/threonine kinase; plus strand), C11orf65 (chromosome 11 open reading frame 65; minus strand). Cytogenetic location: 11q22.3.
Variant type: single nucleotide variant.
Coding change: c.7395A>G on transcript NM_000051.4 (MANE Select); coding-DNA position 7395, A replaced by G.
Protein change: p.Lys2465=; no amino-acid change (lysine 2465 retained).
Molecular consequence: synonymous variant. On other transcripts: intron variant (2).
Genome position (GRCh38, 1-based): chr11:108,330,301, A>G. VCF-style: chr11-108330301-A-G. GRCh37 (hg19) VCF-style: chr11-108201028-A-G.
Other names: c.7395A>G, p.Lys2465= (NM_001351834.2); c.641-21230T>C (NM_001330368.2); c.*38+4919T>C (NM_001351110.2).
Identifiers: ClinVar variation 841617 (VCV000841617.13), dbSNP rs2086122414, ClinGen allele CA476676897.

ClinVar aggregate classification (germline): Conflicting classifications of pathogenicity. Review status: criteria provided, conflicting classifications (1 of 4 stars). 3 submissions from 3 submitters: Uncertain significance (1); Benign (1); Likely benign (1). Last evaluated 2024-06-13.

Conditions:
Familial cancer of breast. Also called: Hereditary breast cancer; BREAST CANCER, FAMILIAL; hereditary breast carcinoma. Identifiers: Orphanet 227535, MedGen C0346153, MONDO:0016419, OMIM 114480. Disease mechanism: loss of function.
Hereditary cancer-predisposing syndrome. Also called: Tumor predisposition; Neoplastic Syndromes, Hereditary; Hereditary Cancer Syndrome; Hereditary neoplastic syndrome. Identifiers: Orphanet 140162, MedGen C0027672, MeSH D009386, MONDO:0015356.
Ataxia-telangiectasia syndrome (AT). Also called: ATAXIA-TELANGIECTASIA, COMPLEMENTATION GROUP A; ATAXIA-TELANGIECTASIA, FRESNO VARIANT; Ataxia-telangiectasia; Ataxia-telangiectasia, complementation group D; AT, COMPLEMENTATION GROUP C; Ataxia-telangiectasia, complementation group E. Identifiers: Orphanet 100, MedGen C0004135, MONDO:0008840, OMIM 208900.

Submissions (3):

Myriad Genetics, Inc.
Classification: Benign for Familial cancer of breast. Last evaluated: 2024-06-13. Review status: criteria provided, single submitter. Criteria: Myriad Autosomal Dominant, Autosomal Recessive and X-Linked Classification Criteria (2023). Collection method: clinical testing. Allele origin: unknown.
Comment: This variant is considered benign. This variant is a silent/synonymous amino acid change and it is not expected to impact splicing.

Ambry Genetics
Classification: Likely benign for Hereditary cancer-predisposing syndrome. Last evaluated: 2021-10-02. Review status: criteria provided, single submitter. Criteria: Ambry Variant Classification Scheme 2023. Collection method: clinical testing. Allele origin: germline.

Labcorp Genetics (formerly Invitae), Labcorp
Classification: Uncertain significance for Ataxia-telangiectasia syndrome. Last evaluated: 2019-04-08. Review status: criteria provided, single submitter. Criteria: Invitae Variant Classification Sherloc (09022015). Collection method: clinical testing. Allele origin: germline.
Comment: This sequence change affects codon 2465 of the ATM mRNA. It is a 'silent' change, meaning that it does not change the encoded amino acid sequence of the ATM protein. This variant is not present in population databases (ExAC no frequency). This variant has not been reported in the literature in individuals with ATM-related conditions. Algorithms developed to predict the effect of sequence changes on RNA splicing suggest that this variant may create or strengthen a splice site, but this prediction has not been confirmed by published transcriptional studies. In summary, the available evidence is currently insufficient to determine the role of this variant in disease. Therefore, it has been classified as a Variant of Uncertain Significance.